The following is an entry in ClinVar:

ClinVar aggregate classification (germline): Uncertain significance. Review status: criteria provided, multiple submitters, no conflicts (2 of 4 stars). 3 submissions from 3 submitters: Uncertain significance (3). Last evaluated 2025-07-03.

Conditions:
Familial thoracic aortic aneurysm and aortic dissection (TAAD). Also called: Thoracic aortic aneurysms and dissections. Identifiers: Orphanet 91387, MedGen C4707243, MONDO:0019625.
Aortic aneurysm, familial thoracic 7 (AAT7). Also called: AORTIC DISSECTION, FAMILIAL, WITH OR WITHOUT AORTIC ANEURYSM. Identifiers: MedGen C3151077, MONDO:0013418, OMIM 613780.

Submissions (3):

GeneDx
Classification: Uncertain significance. Last evaluated: 2025-07-03. Review status: criteria provided, single submitter. Criteria: GeneDx Variant Classification Process June 2021. Collection method: clinical testing. Allele origin: germline. Affected: yes.
Comment: Has not been previously published as pathogenic or benign to our knowledge; Not observed at significant frequency in large population cohorts (gnomAD); In silico analysis supports that this missense variant has a deleterious effect on protein structure/function

Labcorp Genetics (formerly Invitae), Labcorp
Classification: Uncertain significance for Aortic aneurysm, familial thoracic 7. Last evaluated: 2025-03-30. Review status: criteria provided, single submitter. Criteria: Invitae Variant Classification Sherloc (09022015). Collection method: clinical testing. Allele origin: germline.
Comment: This sequence change replaces tyrosine, which is neutral and polar, with cysteine, which is neutral and slightly polar, at codon 1357 of the MYLK protein (p.Tyr1357Cys). This variant is not present in population databases (gnomAD no frequency). This variant has not been reported in the literature in individuals affected with MYLK-related conditions. ClinVar contains an entry for this variant (Variation ID: 2567244). Invitae Evidence Modeling of protein sequence and biophysical properties (such as structural, functional, and spatial information, amino acid conservation, physicochemical variation, residue mobility, and thermodynamic stability) indicates that this missense variant is not expected to disrupt MYLK protein function with a negative predictive value of 80%. In summary, the available evidence is currently insufficient to determine the role of this variant in disease. Therefore, it has been classified as a Variant of Uncertain Significance.

Ambry Genetics
Classification: Uncertain significance for Familial thoracic aortic aneurysm and aortic dissection. Last evaluated: 2023-04-11. Review status: criteria provided, single submitter. Criteria: Ambry Variant Classification Scheme 2023. Collection method: clinical testing. Allele origin: germline.
Comment: The p.Y1357C variant (also known as c.4070A>G), located in coding exon 21 of the MYLK gene, results from an A to G substitution at nucleotide position 4070. The tyrosine at codon 1357 is replaced by cysteine, an amino acid with highly dissimilar properties. This amino acid position is conserved. In addition, this alteration is predicted to be deleterious by in silico analysis. Since supporting evidence is limited at this time, the clinical significance of this alteration remains unclear.

NM_053025.4(MYLK):c.4070A>G (p.Tyr1357Cys)

Gene: MYLK (myosin light chain kinase; minus strand). Cytogenetic location: 3q21.1.
Variant type: single nucleotide variant.
Coding change: c.4070A>G on transcript NM_053025.4 (MANE Select); coding-DNA position 4070, A replaced by G.
Protein change: p.Tyr1357Cys; replaces tyrosine 1357 with cysteine.
Molecular consequence: missense variant.
Genome position (GRCh38, 1-based): chr3:123,657,344, T>C on the plus strand (A>G on the coding strand, the complement: MYLK is on the minus strand). VCF-style: chr3-123657344-T-C. GRCh37 (hg19) VCF-style: chr3-123376191-T-C.
Other names: c.3542A>G, p.Tyr1181Cys (NM_001321309.2); c.3863A>G, p.Tyr1288Cys (NM_053026.4, NM_053028.4); c.4070A>G, p.Tyr1357Cys (NM_053027.4); short protein forms Y1181C, Y1357C, Y1288C.
Identifiers: ClinVar variation 2567244 (VCV002567244.4), dbSNP rs2473541197, ClinGen allele CA354228204.
Genomic context (GRCh38, chr3:123,657,344, plus strand): 5'-GTCTTGTTGGCTGAGTCCCAGATCTCGATGCTGTAGGACTGTACAGCACTGCCCCCATCA[T>C]ATGAGGAGCCATACCAGGACAGGGTCAGTGAGGAGCTCCGAATGTCAGAGGCACAAGGTG-3'
Protein context (NP_444253.3, residues 1347-1367): SLTLSWYGSS[Tyr1357Cys]DGGSAVQSYS